The following is an entry in ClinVar:

NM_001558.4(IL10RA):c.1259C>T (p.Ser420Leu)

Gene: IL10RA (interleukin 10 receptor subunit alpha; plus strand). Cytogenetic location: 11q23.3.
Variant type: single nucleotide variant.
Coding change: c.1259C>T on transcript NM_001558.4 (MANE Select); coding-DNA position 1259, C replaced by T.
Protein change: p.Ser420Leu; replaces serine 420 with leucine.
Molecular consequence: missense variant. On other transcripts: non-coding transcript variant (1).
Genome position (GRCh38, 1-based): chr11:117,999,163, C>T. VCF-style: chr11-117999163-C-T. GRCh37 (hg19) VCF-style: chr11-117869878-C-T.
Other names: short protein forms S420L.
Identifiers: ClinVar variation 302556 (VCV000302556.25), dbSNP rs2229114, ClinGen allele CA6299149.

ClinVar aggregate classification (germline): Benign/Likely benign. Review status: criteria provided, multiple submitters, no conflicts (2 of 4 stars). 7 submissions from 7 submitters: Benign (4); Likely benign (3). Last evaluated 2026-02-03.

Conditions:
Inflammatory bowel disease 28. Also called: Inflammatory bowel disease 28, early onset, autosomal recessive. Identifiers: Orphanet 238569, MedGen C2751053, MONDO:0013153, OMIM 613148.

Allele frequency attached by ClinVar (database versions not stated): 1000 Genomes Project 0.01677; 1000 Genomes Project 30x 0.01858; gnomAD 0.03163 and 0.03293; ExAC 0.03190; gnomAD exomes 0.03206 and 0.04147; TOPMed 0.03304; ESP Exome Variant Server 0.03625.
gnomAD v4.1: 65,298 of 1,614,092 alleles (4%); highest among the groups gnomAD compares: Non-Finnish European, 4.8%; 1,547 homozygotes.

Submissions (7):

Labcorp Genetics (formerly Invitae), Labcorp
Classification: Benign for Inflammatory bowel disease 28. Last evaluated: 2026-02-03. Review status: criteria provided, single submitter. Criteria: Invitae Variant Classification Sherloc (09022015). Collection method: clinical testing. Allele origin: germline.

CeGaT Center for Human Genetics Tuebingen
Classification: Benign. Last evaluated: 2025-03-01. Review status: criteria provided, single submitter. Criteria: CeGaT Center For Human Genetics Tuebingen Variant Classification Criteria Version 2. Collection method: clinical testing. Allele origin: germline. Affected: yes. Observed: 1 variant allele.
Comment: IL10RA: BP4, BS1, BS2

Blueprint Genetics
Classification: Likely benign. Last evaluated: 2024-11-27. Review status: criteria provided, single submitter. Criteria: ACMG Guidelines, 2015. Collection method: clinical testing. Allele origin: germline.

GeneDx
Classification: Likely benign. Last evaluated: 2019-01-10. Review status: criteria provided, single submitter. Criteria: GeneDx Variant Classification Process June 2021. Collection method: clinical testing. Allele origin: germline. Affected: yes.
Comment: See Variant Classification Assertion Criteria.

Mayo Clinic Laboratories, Mayo Clinic
Classification: Benign. Last evaluated: 2018-04-20. Review status: criteria provided, single submitter. Criteria: ACMG Guidelines, 2015. Collection method: clinical testing. Allele origin: germline. Observed: 110 variant alleles.

Illumina Laboratory Services, Illumina
Classification: Benign for Inflammatory bowel disease 28. Last evaluated: 2018-01-12. Review status: criteria provided, single submitter. Criteria: ICSL Variant Classification Criteria 13 December 2019. Collection method: clinical testing. Allele origin: germline.
Comment: This variant was observed in the ICSL laboratory as part of a predisposition screen in an ostensibly healthy population. It had not been previously curated by ICSL or reported in the Human Gene Mutation Database (HGMD: prior to June 1st, 2018), and was therefore a candidate for classification through an automated scoring system. Utilizing variant allele frequency, disease prevalence and penetrance estimates, and inheritance mode, an automated score was calculated to assess if this variant is too frequent to cause the disease. Based on the score and internal cut-off values, a variant classified as benign is not then subjected to further curation. The score for this variant resulted in a classification of benign for this disease.

Breakthrough Genomics
Classification: Likely benign. Review status: criteria provided, single submitter. Criteria: ACMG Guidelines, 2015. Collection method: not provided. Allele origin: germline. Inheritance: Autosomal recessive inheritance. Affected: yes.